The following is an entry in ClinVar:

NM_004946.3(DOCK2):c.5328G>A (p.Glu1776=)

Gene: DOCK2 (dedicator of cytokinesis 2; plus strand). Cytogenetic location: 5q35.1.
Variant type: single nucleotide variant.
Coding change: c.5328G>A on transcript NM_004946.3 (MANE Select); coding-DNA position 5328, G replaced by A.
Protein change: p.Glu1776=; no amino-acid change (glutamic acid 1776 retained).
Molecular consequence: synonymous variant. On other transcripts: non-coding transcript variant (1).
Genome position (GRCh38, 1-based): chr5:170,081,882, G>A. VCF-style: chr5-170081882-G-A. GRCh37 (hg19) VCF-style: chr5-169508886-G-A.
Identifiers: ClinVar variation 1605115 (VCV001605115.32), dbSNP rs958464049, ClinGen allele CA132035161.

ClinVar aggregate classification (germline): Likely benign. Review status: criteria provided, multiple submitters, no conflicts (2 of 4 stars). 2 submissions from 2 submitters: Likely benign (2). Last evaluated 2025-12-23.

Conditions:
DOCK2 deficiency. Also called: Immunodeficiency 40. Identifiers: Orphanet 447737, MedGen C4225328, MONDO:0014637, OMIM 616433.

Allele frequency attached by ClinVar (database versions not stated): gnomAD exomes below 0.00001 and 0.00001; gnomAD 0.00001; TOPMed 0.00004.
gnomAD v4.1: 11 of 1,613,700 alleles (0.00068%); highest among the groups gnomAD compares: African/African-American, 0.0027%; no homozygotes.

Submissions (2):

Labcorp Genetics (formerly Invitae), Labcorp
Classification: Likely benign for DOCK2 deficiency. Last evaluated: 2025-12-23. Review status: criteria provided, single submitter. Criteria: Invitae Variant Classification Sherloc (09022015). Collection method: clinical testing. Allele origin: germline.

CeGaT Center for Human Genetics Tuebingen
Classification: Likely benign. Last evaluated: 2022-09-01. Review status: criteria provided, single submitter. Criteria: CeGaT Center For Human Genetics Tuebingen Variant Classification Criteria Version 2. Collection method: clinical testing. Allele origin: germline. Affected: yes. Observed: 1 variant allele.
Comment: DOCK2: BP4, BP7